The following is an entry in ClinVar:

NM_177531.6(PKHD1L1):c.7417C>T (p.Arg2473Ter)

Gene: PKHD1L1 (PKHD1 like 1; plus strand). Cytogenetic location: 8q23.1.
Variant type: single nucleotide variant.
Coding change: c.7417C>T on transcript NM_177531.6 (MANE Select); coding-DNA position 7417, C replaced by T.
Protein change: p.Arg2473Ter; replaces arginine 2473 with a stop codon.
Molecular consequence: nonsense.
Genome position (GRCh38, 1-based): chr8:109,464,249, C>T. VCF-style: chr8-109464249-C-T. GRCh37 (hg19) VCF-style: chr8-110476478-C-T.
Other names: short protein forms R2473*.
Identifiers: ClinVar variation 4845677 (VCV004845677.1).

ClinVar aggregate classification (germline): Likely pathogenic (1 of 4 stars; one submission).

Conditions:
Autosomal recessive nonsyndromic hearing loss 124. Also called: DEAFNESS, AUTOSOMAL RECESSIVE 124. Identifiers: MedGen C5935612, MONDO:0968981, OMIM 620794.

gnomAD v4.1: 70 of 1,606,782 alleles (0.0044%); highest among the groups gnomAD compares: Admixed American, 0.045%; no homozygotes.

Submission:

First Genomix Gene Laboratory, Genetic Diagnostics Department
Classification: Likely pathogenic for Autosomal recessive nonsyndromic hearing loss 124. Last evaluated: 2025-01-14. Review status: criteria provided, single submitter. Criteria: ACMG Guidelines, 2015. Collection method: clinical testing. Allele origin: germline. Inheritance: Autosomal recessive inheritance. Affected: no. Observed: 1 variant allele.